The following is an entry in ClinVar:

ClinVar aggregate classification (germline): Benign (1 of 4 stars; one submission).

Allele frequency attached by ClinVar (database versions not stated): gnomAD exomes 0.00042; gnomAD 0.00058; TOPMed 0.00081; ExAC 0.00112; 1000 Genomes Project 0.00180; 1000 Genomes Project 30x 0.00187.

Submission:

CeGaT Center for Human Genetics Tuebingen
Classification: Benign. Last evaluated: 2023-09-01. Review status: criteria provided, single submitter. Criteria: CeGaT Center For Human Genetics Tuebingen Variant Classification Criteria Version 2. Collection method: clinical testing. Allele origin: germline. Affected: yes. Observed: 1 variant allele.
Comment: HPDL: BP4, BP7, BS1, BS2

NM_032756.4(HPDL):c.879G>A (p.Lys293=)

Genes: HPDL (4-hydroxyphenylpyruvate dioxygenase like; plus strand), LOC129930440 (ATAC-STARR-seq lymphoblastoid active region 965; plus strand). Cytogenetic location: 1p34.1.
Variant type: single nucleotide variant.
Coding change: c.879G>A on transcript NM_032756.4 (MANE Select); coding-DNA position 879, G replaced by A.
Protein change: p.Lys293=; no amino-acid change (lysine 293 retained).
Molecular consequence: synonymous variant.
Genome position (GRCh38, 1-based): chr1:45,328,027, G>A. VCF-style: chr1-45328027-G-A. GRCh37 (hg19) VCF-style: chr1-45793699-G-A.
Identifiers: ClinVar variation 2638788 (VCV002638788.24), dbSNP rs76394094, ClinGen allele CA826354.